The following is an entry in ClinVar:

NM_000064.4(C3):c.2951-5T>C

Gene: C3 (complement C3; minus strand). Cytogenetic location: 19p13.3.
Variant type: single nucleotide variant.
Coding change: c.2951-5T>C on transcript NM_000064.4 (MANE Select); 5 bases into the intron before coding-DNA position 2951, T replaced by C.
Molecular consequence: intron variant.
Genome position (GRCh38, 1-based): chr19:6,694,639, A>G on the plus strand (T>C on the coding strand, the complement: C3 is on the minus strand). VCF-style: chr19-6694639-A-G. GRCh37 (hg19) VCF-style: chr19-6694650-A-G.
Other names: c.2951-5T>C (NM_000064.3).
Identifiers: ClinVar variation 1166848 (VCV001166848.13), dbSNP rs375107570, ClinGen allele CA9128884.

ClinVar aggregate classification (germline): Benign/Likely benign. Review status: criteria provided, multiple submitters, no conflicts (2 of 4 stars). 4 submissions from 4 submitters: Benign (2); Likely benign (1). 1 of the submissions does not count toward it. Last evaluated 2025-12-27.

Conditions:
C3-related disorder. Also called: C3-related condition.
Age related macular degeneration 9. Identifiers: MedGen C1969651, MONDO:0012659, OMIM 611378.
Atypical hemolytic-uremic syndrome with C3 anomaly. Also called: AHUS, SUSCEPTIBILITY TO, 5. Identifiers: Orphanet 2134, MedGen C2752037, MONDO:0013043, OMIM 612925.
Complement component 3 deficiency. Identifiers: Orphanet 280133, MedGen C3151071, MONDO:0013417, OMIM 613779.

Allele frequency attached by ClinVar (database versions not stated): gnomAD exomes 0.00005 and 0.00021; gnomAD 0.00007 and 0.00013; TOPMed 0.00009; ESP Exome Variant Server 0.00015; ExAC 0.00022; 1000 Genomes Project 0.00120.
gnomAD v4.1: 102 of 1,609,396 alleles (0.0063%); highest among the groups gnomAD compares: East Asian, 0.14%; no homozygotes.

Submissions (4):

Labcorp Genetics (formerly Invitae), Labcorp
Classification: Benign. Last evaluated: 2025-12-27. Review status: criteria provided, single submitter. Criteria: Invitae Variant Classification Sherloc (09022015). Collection method: clinical testing. Allele origin: germline.

Blueprint Genetics
Classification: Likely benign. Last evaluated: 2024-06-27. Review status: criteria provided, single submitter. Criteria: ACMG Guidelines, 2015. Collection method: clinical testing. Allele origin: germline.

Fulgent Genetics
Classification: Benign for Age related macular degeneration 9; Atypical hemolytic-uremic syndrome with C3 anomaly; Complement component 3 deficiency. Last evaluated: 2021-08-16. Review status: criteria provided, single submitter. Criteria: ACMG Guidelines, 2015. Collection method: clinical testing. Allele origin: unknown.

PreventionGenetics, part of Exact Sciences
Classification: Likely benign for C3-related condition. Last evaluated: 2019-08-13. Review status: no assertion criteria provided. Collection method: clinical testing. Allele origin: germline. Not counted in ClinVar's aggregate classification.
Comment: This variant is classified as likely benign based on ACMG/AMP sequence variant interpretation guidelines (Richards et al. 2015 PMID: 25741868, with internal and published modifications).